The following is an entry in ClinVar:

ClinVar aggregate classification (germline): Uncertain significance (1 of 4 stars; one submission).

Submission:

GeneDx
Classification: Uncertain significance. Last evaluated: 2022-02-17. Review status: criteria provided, single submitter. Criteria: GeneDx Variant Classification Process June 2021. Collection method: clinical testing. Allele origin: germline. Affected: yes.
Comment: Not observed at significant frequency in large population cohorts (gnomAD); In-frame deletion of 1 amino acids in a non-repeat region; In silico analysis supports a deleterious effect on protein structure/function; Has not been previously published as pathogenic or benign to our knowledge

NM_005321.3(H1-4):c.220_222del (p.Glu74del)

Gene: H1-4 (H1.4 linker histone, cluster member; plus strand). Cytogenetic location: 6p22.2.
Variant type: Deletion.
Coding change: c.220_222del on transcript NM_005321.3 (MANE Select); coding-DNA positions 220 to 222, 3 bases deleted (GAG; older notation c.220_222delGAG).
Protein change: p.Glu74del; deletes glutamic acid 74.
Molecular consequence: inframe deletion.
Genome position (GRCh38, 1-based): chr6:26,156,610-26,156,612, GAG deleted; deleting any 3 consecutive bases within chr6:26,156,609-26,156,612 gives the same sequence; the c. name uses the placement nearest the transcript's 3' end. VCF-style (leftmost placement, unchanged base first): chr6-26156608-TGGA-T. GRCh37 (hg19) VCF-style: chr6-26156836-TGGA-T.
Other names: short protein forms E74del.
Identifiers: ClinVar variation 1702696 (VCV001702696.2), dbSNP rs2113826239, ClinGen allele CA2580074258.
Genomic context (GRCh38, chr6:26,156,608, plus strand): 5'-AGCGCAGCGGCGTATCTTTGGCCGCTCTCAAGAAAGCGCTGGCAGCCGCTGGCTATGACG[TGGA>T]GAAGAACAACAGCCGCATCAAGCTGGGTCTCAAGAGCCTGGTGAGCAAGGGCACCCTGGT-3'